The following is an entry in ClinVar:

ClinVar aggregate classification (germline): Likely benign. Review status: criteria provided, single submitter (1 of 4 stars). 2 submissions from 2 submitters: Likely benign (1). 1 of the submissions does not count toward it. Last evaluated 2024-10-30.

Conditions:
PAX5-related disorder. Also called: PAX5-related condition.

Allele frequency attached by ClinVar (database versions not stated): gnomAD 0.00001; TOPMed 0.00001; gnomAD exomes 0.00002.
gnomAD v4.1: 25 of 1,611,830 alleles (0.0016%); highest among the groups gnomAD compares: Non-Finnish European, 0.0021%; no homozygotes.

Submissions (2):

Labcorp Genetics (formerly Invitae), Labcorp
Classification: Likely benign. Last evaluated: 2024-10-30. Review status: criteria provided, single submitter. Criteria: Invitae Variant Classification Sherloc (09022015). Collection method: clinical testing. Allele origin: germline.

PreventionGenetics, part of Exact Sciences
Classification: Likely benign for PAX5-related condition. Last evaluated: 2020-10-30. Review status: no assertion criteria provided. Collection method: clinical testing. Allele origin: germline. Not counted in ClinVar's aggregate classification.
Comment: This variant is classified as likely benign based on ACMG/AMP sequence variant interpretation guidelines (Richards et al. 2015 PMID: 25741868, with internal and published modifications).

NM_016734.3(PAX5):c.213-10T>G

Gene: PAX5 (paired box 5; minus strand). Cytogenetic location: 9p13.2.
Variant type: single nucleotide variant.
Coding change: c.213-10T>G on transcript NM_016734.3 (MANE Select); 10 bases into the intron before coding-DNA position 213, T replaced by G.
Molecular consequence: intron variant.
Genome position (GRCh38, 1-based): chr9:37,015,204, A>C on the plus strand (T>G on the coding strand, the complement: PAX5 is on the minus strand). VCF-style: chr9-37015204-A-C. GRCh37 (hg19) VCF-style: chr9-37015201-A-C.
Other names: c.-112-10T>G (NM_001280551.2, NM_001280556.2); c.212+5432T>G (NM_001280555.2); c.213-10T>G (NM_001280553.2, NM_001280554.2, NM_001280550.2 and 4 more transcripts).
Identifiers: ClinVar variation 3032717 (VCV003032717.4), dbSNP rs1175223050, ClinGen allele CA588148299.
Genomic context (GRCh38, chr9:37,015,204, plus strand): 5'-GGTTTGGATCCTCCAATTACCCCAGGCTTGATGCTTCCTGTCTCATAATACCTAGGACCC[A>C]AAGAGAAAGAAGCTTAGCCATGAGGAACCAGTAAAGTGGATATTGGCAACAAAATAACGG-3'